The following is an entry in ClinVar:

ClinVar aggregate classification (germline): Conflicting classifications of pathogenicity. Review status: criteria provided, conflicting classifications (1 of 4 stars). 2 submissions from 2 submitters: Likely pathogenic (1); Uncertain significance (1). Last evaluated 2025-09-03.

Conditions:
Renal cell carcinoma. Identifiers: Orphanet 217071, MedGen C0007134, MeSH D002292, MONDO:0005086, HP:0005584.
Hereditary cancer-predisposing syndrome. Also called: Hereditary neoplastic syndrome; Hereditary Cancer Syndrome; Tumor predisposition; Neoplastic Syndromes, Hereditary. Identifiers: Orphanet 140162, MedGen C0027672, MeSH D009386, MONDO:0015356.

Submissions (2):

Ambry Genetics
Classification: Likely pathogenic for Hereditary cancer-predisposing syndrome. Last evaluated: 2025-09-03. Review status: criteria provided, single submitter. Criteria: Ambry Variant Classification Scheme 2023. Collection method: clinical testing. Allele origin: germline.
Comment: The p.V1110L variant (also known as c.3328G>T), located in coding exon 15 of the MET gene, results from a G to T substitution at nucleotide position 3328. The valine at codon 1110 is replaced by leucine, an amino acid with highly similar properties. This variant was reported in individual(s) with features consistent with MET-related papillary renal cell carcinoma (Wadt KA et al. Fam Cancer, 2012 Sep;11:535-7). Other variant(s) at the same codon, p.V1110I (c.3328G>A) have been identified in individual(s) with features consistent with MET-related papillary renal cell carcinoma (Lubensky IA, Am. J. Pathol. 1999 Aug; 155(2):517-26; Olivero M, Int. J. Cancer 1999 Aug; 82(5):640-3; Schmidt LS, J. Urol. 2004 Oct; 172(4 Pt 1):1256-61). This amino acid position is highly conserved in available vertebrate species. In addition, this alteration is predicted to be deleterious by in silico analysis. This variant is considered to be rare based on population cohorts in the Genome Aggregation Database (gnomAD). Based on the majority of available evidence to date, this variant is likely to be pathogenic.

Labcorp Genetics (formerly Invitae), Labcorp
Classification: Uncertain significance for Renal cell carcinoma. Last evaluated: 2023-04-20. Review status: criteria provided, single submitter. Criteria: Invitae Variant Classification Sherloc (09022015). Collection method: clinical testing. Allele origin: germline.
Comment: In summary, the available evidence is currently insufficient to determine the role of this variant in disease. Therefore, it has been classified as a Variant of Uncertain Significance. This variant disrupts the p.Val1110 amino acid residue in MET. Other variant(s) that disrupt this residue have been determined to be pathogenic (PMID: 10417759, 10433944, 15371818, 22717761, 24658158). This suggests that this residue is clinically significant, and that variants that disrupt this residue are likely to be disease-causing. Advanced modeling of protein sequence and biophysical properties (such as structural, functional, and spatial information, amino acid conservation, physicochemical variation, residue mobility, and thermodynamic stability) performed at Invitae indicates that this missense variant is expected to disrupt MET protein function. ClinVar contains an entry for this variant (Variation ID: 2136594). This missense change has been observed in individual(s) with papillary renal cell carcinoma (PMID: 22717761). This variant is not present in population databases (gnomAD no frequency). This sequence change replaces valine, which is neutral and non-polar, with leucine, which is neutral and non-polar, at codon 1110 of the MET protein (p.Val1110Leu).

Literature cited by the submitters: PubMed 22717761 (cited by Ambry Genetics and Labcorp Genetics (formerly Invitae), Labcorp); PubMed 10417759 (cited by Labcorp Genetics (formerly Invitae), Labcorp); PubMed 10433944 (cited by Labcorp Genetics (formerly Invitae), Labcorp); PubMed 15371818 (cited by Labcorp Genetics (formerly Invitae), Labcorp); PubMed 24658158 (cited by Labcorp Genetics (formerly Invitae), Labcorp).

NM_000245.4(MET):c.3274G>T (p.Val1092Leu)

Gene: MET (MET proto-oncogene, receptor tyrosine kinase; plus strand). Cytogenetic location: 7q31.2.
Variant type: single nucleotide variant.
Coding change: c.3274G>T on transcript NM_000245.4 (MANE Select); coding-DNA position 3274, G replaced by T.
Protein change: p.Val1092Leu; replaces valine 1092 with leucine.
Molecular consequence: missense variant.
Genome position (GRCh38, 1-based): chr7:116,777,403, G>T. VCF-style: chr7-116777403-G-T. GRCh37 (hg19) VCF-style: chr7-116417457-G-T.
Other names: c.3328G>T, p.Val1110Leu (NM_001127500.3); c.1984G>T, p.Val662Leu (NM_001324402.2); short protein forms V662L, V1092L, V1110L.
Identifiers: ClinVar variation 2136594 (VCV002136594.5), dbSNP rs786202724, ClinGen allele CA368989572.